The following is an entry in ClinVar:

ClinVar aggregate classification (germline): Uncertain significance (1 of 4 stars; one submission).

Submission:

GeneDx
Classification: Uncertain significance. Last evaluated: 2025-08-13. Review status: criteria provided, single submitter. Criteria: GeneDx Variant Classification Process June 2021. Collection method: clinical testing. Allele origin: germline. Affected: yes.
Comment: Not observed at significant frequency in large population cohorts (gnomAD); In silico analysis supports that this missense variant has a deleterious effect on protein structure/function; Has not been previously published as pathogenic or benign to our knowledge

NM_001378183.1(PIEZO2):c.1609A>G (p.Arg537Gly)

Gene: PIEZO2 (piezo type mechanosensitive ion channel component 2; minus strand). Cytogenetic location: 18p11.22.
Variant type: single nucleotide variant.
Coding change: c.1609A>G on transcript NM_001378183.1 (MANE Select); coding-DNA position 1609, A replaced by G.
Protein change: p.Arg537Gly; replaces arginine 537 with glycine.
Molecular consequence: missense variant.
Genome position (GRCh38, 1-based): chr18:10,794,921, T>C on the plus strand (A>G on the coding strand, the complement: PIEZO2 is on the minus strand). VCF-style: chr18-10794921-T-C. GRCh37 (hg19) VCF-style: chr18-10794919-T-C.
Other names: c.1609A>G, p.Arg537Gly (NM_001410871.1, NM_022068.4); short protein forms R537G.
Identifiers: ClinVar variation 4795312 (VCV004795312.1).
Genomic context (GRCh38, chr18:10,794,921, plus strand): 5'-ATATCAACAATAGGTTTCCATAAACCACCATGAAGGGAGAGCTGATCATGGCATATTTTC[T>C]TCTGTTGCGAATCATCCAAAGAGTGCACGACCAGATCAGCAGCACGAAGGTCAGCCAGCT-3'
Protein context (NP_001365112.1, residues 527-547): SCTLWMIRNR[Arg537Gly]KYAMISSPFM